The following is an entry in ClinVar:

NM_005359.6(SMAD4):c.131T>A (p.Val44Glu)

Gene: SMAD4 (SMAD family member 4; plus strand). Cytogenetic location: 18q21.2.
Variant type: single nucleotide variant.
Coding change: c.131T>A on transcript NM_005359.6 (MANE Select); coding-DNA position 131, T replaced by A.
Protein change: p.Val44Glu; replaces valine 44 with glutamic acid.
Molecular consequence: missense variant. On other transcripts: non-coding transcript variant (2).
Genome position (GRCh38, 1-based): chr18:51,047,177, T>A. VCF-style: chr18-51047177-T-A. GRCh37 (hg19) VCF-style: chr18-48573547-T-A.
Other names: c.131T>A, p.Val44Glu (NM_001407041.1, NM_001407042.1, NM_001407043.1); short protein forms V44E.
Identifiers: ClinVar variation 4774402 (VCV004774402.1).

ClinVar aggregate classification (germline): Uncertain significance (1 of 4 stars; one submission).

Conditions:
Juvenile polyposis syndrome (JPS). Identifiers: Orphanet 2929, MedGen C0345893, MONDO:0017380, OMIM 174900.

Submission:

Labcorp Genetics (formerly Invitae), Labcorp
Classification: Uncertain significance for Juvenile polyposis syndrome. Last evaluated: 2025-10-23. Review status: criteria provided, single submitter. Criteria: Invitae Variant Classification Sherloc (09022015). Collection method: clinical testing. Allele origin: germline.
Comment: This sequence change replaces valine, which is neutral and non-polar, with glutamic acid, which is acidic and polar, at codon 44 of the SMAD4 protein (p.Val44Glu). This variant is not present in population databases (gnomAD no frequency). This variant has not been reported in the literature in individuals affected with SMAD4-related conditions. Invitae Evidence Modeling of protein sequence and biophysical properties (such as structural, functional, and spatial information, amino acid conservation, physicochemical variation, residue mobility, and thermodynamic stability) has been performed for this missense variant. However, the output from this modeling did not meet the statistical confidence thresholds required to predict the impact of this variant on SMAD4 protein function. In summary, the available evidence is currently insufficient to determine the role of this variant in disease. Therefore, it has been classified as a Variant of Uncertain Significance.